The following is an entry in ClinVar:

NM_000059.4(BRCA2):c.2820dup (p.Val941fs)

Gene: BRCA2 (BRCA2 DNA repair associated; plus strand). Cytogenetic location: 13q13.1.
Variant type: Duplication.
Coding change: c.2820dup on transcript NM_000059.4 (MANE Select); coding-DNA position 2820, one base duplicated (A; older notation c.2820dupA).
Protein change: p.Val941fs; shifts the reading frame from valine 941.
Molecular consequence: frameshift variant. On other transcripts: intron variant (2), non-coding transcript variant (1).
Genome position (GRCh38, 1-based): chr13:32,337,175, A duplicated; the last of 2 consecutive A bases (chr13:32,337,174-32,337,175); duplicating either gives the same sequence. VCF-style (leftmost placement, unchanged base first): chr13-32337173-C-CA. GRCh37 (hg19) VCF-style: chr13-32911310-C-CA.
Other names: c.424+6145dup (NM_001406722.1); c.2820dup, p.Val941fs (NM_001406719.1, NM_001406720.1, NM_001432077.1); c.1909+3788dup (NM_001406721.1); short protein forms V941fs.
Identifiers: ClinVar variation 3379284 (VCV003379284.1).

ClinVar aggregate classification (germline): Pathogenic (1 of 4 stars; one submission).

Conditions:
Breast-ovarian cancer, familial, susceptibility to, 2 (BROVCA2). Also called: BRCA2 Hereditary Breast and Ovarian Cancer. Identifiers: Orphanet 145, MedGen C2675520, MONDO:0012933, OMIM 612555. Disease mechanism: loss of function.

Submission:

Myriad Genetics, Inc.
Classification: Pathogenic for Breast-ovarian cancer, familial, susceptibility to, 2. Last evaluated: 2024-09-19. Review status: criteria provided, single submitter. Criteria: Myriad Autosomal Dominant, Autosomal Recessive and X-Linked Classification Criteria (2023). Collection method: clinical testing. Allele origin: unknown.
Comment: This variant is considered pathogenic. This variant creates a frameshift predicted to result in premature protein truncation.